The following is an entry in ClinVar:

NM_000059.4(BRCA2):c.9257-6781A>C

Gene: BRCA2 (BRCA2 DNA repair associated; plus strand). Cytogenetic location: 13q13.1.
Variant type: single nucleotide variant.
Coding change: c.9257-6781A>C on transcript NM_000059.4 (MANE Select); 6781 bases into the intron before coding-DNA position 9257, A replaced by C.
Molecular consequence: intron variant.
Genome position (GRCh38, 1-based): chr13:32,387,908, A>C. VCF-style: chr13-32387908-A-C. GRCh37 (hg19) VCF-style: chr13-32962045-A-C.
Other names: IVS 24-6781A>C.
Identifiers: ClinVar variation 209955 (VCV000209955.1), dbSNP rs2100785, ClinGen allele CA276922.

ClinVar aggregate classification (germline): Benign (3 of 4 stars; one submission).

Conditions:
Breast-ovarian cancer, familial, susceptibility to, 2 (BROVCA2). Also called: BRCA2 Hereditary Breast and Ovarian Cancer. Identifiers: Orphanet 145, MedGen C2675520, MONDO:0012933, OMIM 612555. Disease mechanism: loss of function.

Allele frequency attached by ClinVar (database versions not stated): 1000 Genomes Project 30x 0.50640; TOPMed 0.50878; 1000 Genomes Project 0.50919; gnomAD 0.51676 and 0.51679.
gnomAD v4.1: 78,344 of 151,822 alleles (52%); highest among the groups gnomAD compares: East Asian, 57%; 20,298 homozygotes.

Submission:

Evidence-based Network for the Interpretation of Germline Mutant Alleles (ENIGMA)
Classification: Benign for Breast-ovarian cancer, familial 2. Last evaluated: 2015-01-12. Review status: reviewed by expert panel. Criteria: ENIGMA BRCA1/2 Classification Criteria (2015). Collection method: curation. Allele origin: germline.
Comment: Class 1 not pathogenic based on frequency >1% in an outbred sampleset. Frequency 0.549 (Asian), 0.5061 (African), 0.5383 (European), derived from 1000 genomes (2012-04-30).